The following is an entry in ClinVar:

NM_004655.4(AXIN2):c.942G>C (p.Met314Ile)

Gene: AXIN2 (axin 2; minus strand). Cytogenetic location: 17q24.1.
Variant type: single nucleotide variant.
Coding change: c.942G>C on transcript NM_004655.4 (MANE Select); coding-DNA position 942, G replaced by C.
Protein change: p.Met314Ile; replaces methionine 314 with isoleucine.
Molecular consequence: missense variant.
Genome position (GRCh38, 1-based): chr17:65,549,534, C>G on the plus strand (G>C on the coding strand, the complement: AXIN2 is on the minus strand). VCF-style: chr17-65549534-C-G. GRCh37 (hg19) VCF-style: chr17-63545652-C-G.
Other names: c.942G>C, p.Met314Ile (NM_001363813.1); short protein forms M314I.
Identifiers: ClinVar variation 4744354 (VCV004744354.1).

ClinVar aggregate classification (germline): Uncertain significance (1 of 4 stars; one submission).

Conditions:
Oligodontia-cancer predisposition syndrome. Also called: TOOTH AGENESIS-COLORECTAL CANCER SYNDROME. Identifiers: Orphanet 300576, MedGen C1837750, MONDO:0012075, OMIM 608615. Disease mechanism: loss of function.

Submission:

Labcorp Genetics (formerly Invitae), Labcorp
Classification: Uncertain significance for Oligodontia-cancer predisposition syndrome. Last evaluated: 2025-08-17. Review status: criteria provided, single submitter. Criteria: Invitae Variant Classification Sherloc (09022015). Collection method: clinical testing. Allele origin: germline.
Comment: This sequence change replaces methionine, which is neutral and non-polar, with isoleucine, which is neutral and non-polar, at codon 314 of the AXIN2 protein (p.Met314Ile). This variant is not present in population databases (gnomAD no frequency). This variant has not been reported in the literature in individuals affected with AXIN2-related conditions. Invitae Evidence Modeling of protein sequence and biophysical properties (such as structural, functional, and spatial information, amino acid conservation, physicochemical variation, residue mobility, and thermodynamic stability) indicates that this missense variant is not expected to disrupt AXIN2 protein function with a negative predictive value of 80%. In summary, the available evidence is currently insufficient to determine the role of this variant in disease. Therefore, it has been classified as a Variant of Uncertain Significance.